The following is an entry in ClinVar:

NM_001182.5(ALDH7A1):c.692C>G (p.Thr231Arg)

Gene: ALDH7A1 (aldehyde dehydrogenase 7 family member A1; minus strand). Cytogenetic location: 5q23.2.
Variant type: single nucleotide variant.
Coding change: c.692C>G on transcript NM_001182.5 (MANE Select); coding-DNA position 692, C replaced by G.
Protein change: p.Thr231Arg; replaces threonine 231 with arginine.
Molecular consequence: missense variant.
Genome position (GRCh38, 1-based): chr5:126,575,423, G>C on the plus strand (C>G on the coding strand, the complement: ALDH7A1 is on the minus strand). VCF-style: chr5-126575423-G-C. GRCh37 (hg19) VCF-style: chr5-125911115-G-C.
Other names: c.608C>G, p.Thr203Arg (NM_001201377.2); c.692C>G, p.Thr231Arg (NM_001202404.2); short protein forms T231R, T203R.
Identifiers: ClinVar variation 2880021 (VCV002880021.3), dbSNP rs1397066983, ClinGen allele CA360730363.
Genomic context (GRCh38, chr5:126,575,423, plus strand): 5'-CAATAACCCTTTCAATATTATTCCATACCCAGGAAAAAGAAAGCCACATGTACTTACTTT[G>C]TGACAGCCACACTAATGAGGGAAGTGGTTGGAGCTCCTTTCCTTAAGAAGGTTAAAACAA-3'
Protein context (NP_001173.2, residues 221-241): PTTSLISVAV[Thr231Arg]KIIAKVLEDN

ClinVar aggregate classification (germline): Pathogenic (1 of 4 stars; one submission).

Conditions:
Pyridoxine-dependent epilepsy (EPEO4). Also called: PYRIDOXINE DEPENDENCY WITH SEIZURES; Pyridoxine-Dependent Seizures; EPILEPSY, EARLY-ONSET, 4, VITAMIN B6-DEPENDENT; Pyridoxine-Dependent Epilepsy - ALDH7A1. Identifiers: Orphanet 3006, MedGen C1849508, MONDO:0009945, OMIM 266100. Disease mechanism: loss of function.

Allele frequency attached by ClinVar (database versions not stated): gnomAD 0.00001.
gnomAD v4.1: 1 of 1,612,972 alleles (0.000062%); highest among the groups gnomAD compares: Admixed American, 0.0017%; no homozygotes.

Submission:

Labcorp Genetics (formerly Invitae), Labcorp
Classification: Pathogenic for Pyridoxine-dependent epilepsy. Last evaluated: 2025-05-26. Review status: criteria provided, single submitter. Criteria: Invitae Variant Classification Sherloc (09022015). Collection method: clinical testing. Allele origin: germline.
Comment: This sequence change replaces threonine, which is neutral and polar, with arginine, which is basic and polar, at codon 231 of the ALDH7A1 protein (p.Thr231Arg). This variant is present in population databases (no rsID available, gnomAD 0.1%). This missense change has been observed in individual(s) with clinical features of pyridoxine-dependent epilepsy (internal data). In at least one individual the data is consistent with being in trans (on the opposite chromosome) from a pathogenic variant. ClinVar contains an entry for this variant (Variation ID: 2880021). Invitae Evidence Modeling of protein sequence and biophysical properties (such as structural, functional, and spatial information, amino acid conservation, physicochemical variation, residue mobility, and thermodynamic stability) indicates that this missense variant is expected to disrupt ALDH7A1 protein function with a positive predictive value of 95%. For these reasons, this variant has been classified as Pathogenic.